The following is an entry in ClinVar:

ClinVar aggregate classification (germline): Likely benign (0 of 4 stars; one submission).

Conditions:
NR3C2-related disorder. Also called: NR3C2-related disorders; NR3C2-related condition.

Allele frequency attached by ClinVar (database versions not stated): gnomAD 0.00001; gnomAD exomes 0.00001; TOPMed 0.00001.
gnomAD v4.1: 12 of 1,612,536 alleles (0.00074%); highest among the groups gnomAD compares: Non-Finnish European, 0.001%; no homozygotes.

Submission:

PreventionGenetics, part of Exact Sciences
Classification: Likely benign for NR3C2-related condition. Last evaluated: 2020-07-28. Review status: no assertion criteria provided. Collection method: clinical testing. Allele origin: germline.
Comment: This variant is classified as likely benign based on ACMG/AMP sequence variant interpretation guidelines (Richards et al. 2015 PMID: 25741868, with internal and published modifications).

NM_000901.5(NR3C2):c.1953A>G (p.Arg651=)

Gene: NR3C2 (nuclear receptor subfamily 3 group C member 2; minus strand). Cytogenetic location: 4q31.23.
Variant type: single nucleotide variant.
Coding change: c.1953A>G on transcript NM_000901.5 (MANE Select); coding-DNA position 1953, A replaced by G.
Protein change: p.Arg651=; no amino-acid change (arginine 651 retained).
Molecular consequence: synonymous variant. On other transcripts: non-coding transcript variant (1).
Genome position (GRCh38, 1-based): chr4:148,194,807, T>C on the plus strand (A>G on the coding strand, the complement: NR3C2 is on the minus strand). VCF-style: chr4-148194807-T-C. GRCh37 (hg19) VCF-style: chr4-149115958-T-C.
Other names: c.1953A>G, p.Arg651= (NM_001166104.2, NM_001354819.1).
Identifiers: ClinVar variation 3054968 (VCV003054968.2), dbSNP rs72653855, ClinGen allele CA108490206.
Genomic context (GRCh38, chr4:148,194,807, plus strand): 5'-TCCTAAATTCATTCCAGCTTGAAGACATTTCTGAAGTCTGCAAGCAGGACAATTCTTTCG[T>C]CGAATCTTATCAATGATGCAATCATTTCTTCCAGCACATAAATAGTTGTGTTGCCCTGAT-3'
Protein context (NP_000892.2, residues 641-661): GRNDCIIDKI[Arg651=]RKNCPACRLQ